The following is an entry in ClinVar:

ClinVar aggregate classification (germline): Uncertain significance (1 of 4 stars; one submission).

Conditions:
Hereditary nonpolyposis colorectal neoplasms. Identifiers: MedGen C0009405, MeSH D003123.

Submission:

Labcorp Genetics (formerly Invitae), Labcorp
Classification: Uncertain significance for Hereditary nonpolyposis colorectal neoplasms. Last evaluated: 2021-09-01. Review status: criteria provided, single submitter. Criteria: Invitae Variant Classification Sherloc (09022015). Collection method: clinical testing. Allele origin: germline.
Comment: This sequence change replaces valine with glycine at codon 509 of the MSH6 protein (p.Val509Gly). The valine residue is highly conserved and there is a moderate physicochemical difference between valine and glycine. This variant is not present in population databases (ExAC no frequency). This variant has not been reported in the literature in individuals affected with MSH6-related conditions. Advanced modeling of protein sequence and biophysical properties (such as structural, functional, and spatial information, amino acid conservation, physicochemical variation, residue mobility, and thermodynamic stability) performed at Invitae indicates that this missense variant is expected to disrupt MSH6 protein function. In summary, the available evidence is currently insufficient to determine the role of this variant in disease. Therefore, it has been classified as a Variant of Uncertain Significance.

NM_000179.3(MSH6):c.1526T>G (p.Val509Gly)

Gene: MSH6 (mutS homolog 6; plus strand). Cytogenetic location: 2p16.3.
Variant type: single nucleotide variant.
Coding change: c.1526T>G on transcript NM_000179.3 (MANE Select); coding-DNA position 1526, T replaced by G.
Protein change: p.Val509Gly; replaces valine 509 with glycine.
Molecular consequence: missense variant.
Genome position (GRCh38, 1-based): chr2:47,799,509, T>G. VCF-style: chr2-47799509-T-G. GRCh37 (hg19) VCF-style: chr2-48026648-T-G.
Other names: c.1136T>G, p.Val379Gly (NM_001281492.2); c.620T>G, p.Val207Gly (NM_001281493.2, NM_001281494.2); short protein forms V509G, V207G, V379G.
Identifiers: ClinVar variation 1504977 (VCV001504977.5), dbSNP rs63751005, ClinGen allele CA346746455.